The following is an entry in ClinVar:

NM_001256789.3(CACNA1F):c.468C>G (p.Ser156Arg)

Gene: CACNA1F (calcium voltage-gated channel subunit alpha1 F; minus strand). Cytogenetic location: Xp11.23.
Variant type: single nucleotide variant.
Coding change: c.468C>G on transcript NM_001256789.3 (MANE Select); coding-DNA position 468, C replaced by G.
Protein change: p.Ser156Arg; replaces serine 156 with arginine.
Molecular consequence: missense variant.
Genome position (GRCh38, 1-based): chrX:49,230,903, G>C on the plus strand (C>G on the coding strand, the complement: CACNA1F is on the minus strand). VCF-style: chrX-49230903-G-C. GRCh37 (hg19) VCF-style: chrX-49087365-G-C.
Other names: c.273C>G, p.Ser91Arg (NM_001256790.3); c.468C>G, p.Ser156Arg (NM_005183.4); short protein forms S156R, S91R.
Identifiers: ClinVar variation 1051805 (VCV001051805.9), dbSNP rs1557111180, ClinGen allele CA412925963.

ClinVar aggregate classification (germline): Uncertain significance. Review status: criteria provided, multiple submitters, no conflicts (2 of 4 stars). 2 submissions from 2 submitters: Uncertain significance (2). Last evaluated 2025-04-22.

Submissions (2):

Labcorp Genetics (formerly Invitae), Labcorp
Classification: Uncertain significance. Last evaluated: 2025-04-22. Review status: criteria provided, single submitter. Criteria: Invitae Variant Classification Sherloc (09022015). Collection method: clinical testing. Allele origin: germline.
Comment: This sequence change replaces serine, which is neutral and polar, with arginine, which is basic and polar, at codon 156 of the CACNA1F protein (p.Ser156Arg). This variant is not present in population databases (gnomAD no frequency). This variant has not been reported in the literature in individuals affected with CACNA1F-related conditions. ClinVar contains an entry for this variant (Variation ID: 1051805). Invitae Evidence Modeling of protein sequence and biophysical properties (such as structural, functional, and spatial information, amino acid conservation, physicochemical variation, residue mobility, and thermodynamic stability) indicates that this missense variant is not expected to disrupt CACNA1F protein function with a negative predictive value of 80%. In summary, the available evidence is currently insufficient to determine the role of this variant in disease. Therefore, it has been classified as a Variant of Uncertain Significance.

Blueprint Genetics
Classification: Uncertain significance. Last evaluated: 2020-12-03. Review status: criteria provided, single submitter. Criteria: ACMG Guidelines, 2015. Collection method: clinical testing. Allele origin: germline.